The following is an entry in ClinVar:

ClinVar aggregate classification (germline): Uncertain significance (1 of 4 stars; one submission).

Conditions:
Spastic paraplegia-severe developmental delay-epilepsy syndrome. Also called: Spastic paraplegia and psychomotor retardation with or without seizures. Identifiers: Orphanet 464282, MedGen C4225215, MONDO:0014764, OMIM 616756.

Submission:

Neuberg Centre For Genomic Medicine, NCGM
Classification: Uncertain significance for Spastic paraplegia-severe developmental delay-epilepsy syndrome. Last evaluated: 2023-07-22. Review status: criteria provided, single submitter. Criteria: ACMG Guidelines, 2015. Collection method: clinical testing. Allele origin: germline. Inheritance: Autosomal recessive inheritance. Affected: yes.
Comment: The observed splice region c.2211+3_2211+6del variant in HACE1 gene has not been reported previously as a pathogenic variant nor a benign variant, to our knowledge. The c.2211+3_2211+6del variant is absent in gnomAD Exomes. This variant has not been submitted to the ClinVar database. SpliceAI predicts this variant to cause splice donor loss 0.97 and donor gain 0.29. Loss of function variants have been previously reported to be disease causing. However, additional functional studies will be required to prove the pathogenicity of this variant. For these reasons, this variant has been classified as a Variant of Uncertain Significance VUS.

NM_020771.4(HACE1):c.2211+3_2211+6del

Gene: HACE1 (HECT domain and ankyrin repeat containing E3 ubiquitin protein ligase 1; minus strand). Cytogenetic location: 6q16.3.
Variant type: Deletion.
Coding change: c.2211+3_2211+6del on transcript NM_020771.4 (MANE Select); bases 3 to 6 of the intron after coding-DNA position 2211, 4 bases deleted (GAGT; older notation c.2211+3_2211+6delGAGT).
Molecular consequence: splice donor variant.
Genome position (GRCh38, 1-based): chr6:104,771,187-104,771,190, ACTC deleted on the plus strand (GAGT on the coding strand, the reverse complement: HACE1 is on the minus strand); deleting any 4 consecutive bases within chr6:104,771,187-104,771,193 gives the same sequence; the c. name uses the placement nearest the transcript's 3' end. VCF-style (leftmost placement, unchanged base first): chr6-104771186-TACTC-T. GRCh37 (hg19) VCF-style: chr6-105219061-TACTC-T.
Other names: c.1920+3_1920+6del (NM_001350555.2); c.1428+3_1428+6del (NM_001350560.2); c.1707+3_1707+6del (NM_001350557.2, NM_001350558.2, NM_001321084.2); c.1725+3_1725+6del (NM_001350556.2); c.1629+3_1629+6del (NM_001350559.2); c.2079+3_2079+6del (NM_001321080.2); c.1977+3_1977+6del (NM_001350554.2); c.2109+3_2109+6del (NM_001321083.2).
Identifiers: ClinVar variation 3391290 (VCV003391290.1).
Genomic context (GRCh38, chr6:104,771,186, plus strand): 5'-AGAGTAACTAGCAAACTATCAGGGCCAAGTTACAAACAATGGTTAAGGTAAAAACTGAAA[TACTC>T]ACTTTATTATTTTGTGTCACAAGAATACTCCCACCCCCAGGTTTCAAAGGCACCTCTTCC-3'